The following is an entry in ClinVar:

NM_001042492.3(NF1):c.916G>A (p.Ala306Thr)

Gene: NF1 (neurofibromin 1; plus strand). Cytogenetic location: 17q11.2.
Variant type: single nucleotide variant.
Coding change: c.916G>A on transcript NM_001042492.3 (MANE Select); coding-DNA position 916, G replaced by A.
Protein change: p.Ala306Thr; replaces alanine 306 with threonine.
Molecular consequence: missense variant.
Genome position (GRCh38, 1-based): chr17:31,200,449, G>A. VCF-style: chr17-31200449-G-A. GRCh37 (hg19) VCF-style: chr17-29527467-G-A.
Other names: c.916G>A, p.Ala306Thr (NM_000267.4, NM_001128147.3); short protein forms A306T.
Identifiers: ClinVar variation 3404646 (VCV003404646.1).

ClinVar aggregate classification (germline): Uncertain significance (1 of 4 stars; one submission).

Conditions:
Hereditary cancer-predisposing syndrome. Also called: Hereditary Cancer Syndrome; Tumor predisposition; Hereditary neoplastic syndrome; Neoplastic Syndromes, Hereditary. Identifiers: Orphanet 140162, MedGen C0027672, MeSH D009386, MONDO:0015356.
Cardiovascular phenotype. Identifiers: MedGen CN230736.

Submission:

Ambry Genetics
Classification: Uncertain significance for Cardiovascular phenotype; Hereditary cancer-predisposing syndrome. Last evaluated: 2024-07-16. Review status: criteria provided, single submitter. Criteria: Ambry Variant Classification Scheme 2023. Collection method: clinical testing. Allele origin: germline.
Comment: The p.A306T variant (also known as c.916G>A), located in coding exon 9 of the NF1 gene, results from a G to A substitution at nucleotide position 916. The alanine at codon 306 is replaced by threonine, an amino acid with similar properties. This amino acid position is highly conserved in available vertebrate species. In addition, the in silico prediction for this alteration is inconclusive. Based on the available evidence, the clinical significance of this variant remains unclear.